The following is an entry in ClinVar:

ClinVar aggregate classification (germline): Uncertain significance (1 of 4 stars; one submission).

Conditions:
Hypertrophic cardiomyopathy 14. Identifiers: MedGen C2750467, MONDO:0013197, OMIM 613251.

Allele frequency attached by ClinVar (database versions not stated): gnomAD exomes below 0.00001.
gnomAD v4.1: 1 of 1,614,124 alleles (0.000062%); highest among the groups gnomAD compares: Admixed American, 0.0017%; no homozygotes.

Submission:

Labcorp Genetics (formerly Invitae), Labcorp
Classification: Uncertain significance for Hypertrophic cardiomyopathy 14. Last evaluated: 2022-02-20. Review status: criteria provided, single submitter. Criteria: Invitae Variant Classification Sherloc (09022015). Collection method: clinical testing. Allele origin: germline.
Comment: In summary, the available evidence is currently insufficient to determine the role of this variant in disease. Therefore, it has been classified as a Variant of Uncertain Significance. Algorithms developed to predict the effect of missense changes on protein structure and function are either unavailable or do not agree on the potential impact of this missense change (SIFT: "Deleterious"; PolyPhen-2: "Benign"; Align-GVGD: "Class C0"). This variant has not been reported in the literature in individuals affected with MYH6-related conditions. This variant is not present in population databases (gnomAD no frequency). This sequence change replaces asparagine, which is neutral and polar, with aspartic acid, which is acidic and polar, at codon 1259 of the MYH6 protein (p.Asn1259Asp).

NM_002471.4(MYH6):c.3775A>G (p.Asn1259Asp)

Gene: MYH6 (myosin heavy chain 6; minus strand). Cytogenetic location: 14q11.2.
Variant type: single nucleotide variant.
Coding change: c.3775A>G on transcript NM_002471.4 (MANE Select); coding-DNA position 3775, A replaced by G.
Protein change: p.Asn1259Asp; replaces asparagine 1259 with aspartic acid.
Molecular consequence: missense variant.
Genome position (GRCh38, 1-based): chr14:23,389,677, T>C on the plus strand (A>G on the coding strand, the complement: MYH6 is on the minus strand). VCF-style: chr14-23389677-T-C. GRCh37 (hg19) VCF-style: chr14-23858886-T-C.
Other names: short protein forms N1259D.
Identifiers: ClinVar variation 2180999 (VCV002180999.4), dbSNP rs1891170117, ClinGen allele CA389003747.
Genomic context (GRCh38, chr14:23,389,677, plus strand): 5'-GCTGGGTGGTGAAATCATTGAGGGAGCGTTGGGCCTCTTCTAGCTTCACGCGGTACTCAT[T>C]GGCCTGGTCCTCCAGCGTCCGAGACACTTTCTCCAGGTTTGCCTTCAGGAAGCAAGACAG-3'
Protein context (NP_002462.2, residues 1249-1269): KVSRTLEDQA[Asn1259Asp]EYRVKLEEAQ